The following is an entry in ClinVar:

NM_000017.4(ACADS):c.1077C>G (p.Ile359Met)

Gene: ACADS (acyl-CoA dehydrogenase short chain; plus strand). Cytogenetic location: 12q24.31.
Variant type: single nucleotide variant.
Coding change: c.1077C>G on transcript NM_000017.4 (MANE Select); coding-DNA position 1077, C replaced by G.
Protein change: p.Ile359Met; replaces isoleucine 359 with methionine.
Molecular consequence: missense variant.
Genome position (GRCh38, 1-based): chr12:120,739,187, C>G. VCF-style: chr12-120739187-C-G. GRCh37 (hg19) VCF-style: chr12-121176990-C-G.
Other names: c.1065C>G, p.Ile355Met (NM_001302554.2); short protein forms I355M, I359M.
Identifiers: ClinVar variation 2891601 (VCV002891601.3), dbSNP rs1218367017, ClinGen allele CA386601720.

ClinVar aggregate classification (germline): Uncertain significance (1 of 4 stars; one submission).

Conditions:
Deficiency of butyryl-CoA dehydrogenase (ACADSD). Also called: ACADS DEFICIENCY; SCAD Deficiency; Short-Chain Acyl-CoA Dehydrogenase Deficiency; SCAD DEFICIENCY, MILD; ACYL-CoA DEHYDROGENASE, SHORT-CHAIN, DEFICIENCY OF; SCADH DEFICIENCY. Identifiers: Orphanet 26792, MedGen C0342783, MONDO:0008722, OMIM 201470. Disease mechanism: May be benign.

Allele frequency attached by ClinVar (database versions not stated): TOPMed 0.00002.
gnomAD v4.1: 2 of 1,612,948 alleles (0.00012%); highest among the groups gnomAD compares: African/African-American, 0.0027%; no homozygotes.

Submission:

Labcorp Genetics (formerly Invitae), Labcorp
Classification: Uncertain significance for Deficiency of butyryl-CoA dehydrogenase. Last evaluated: 2024-06-26. Review status: criteria provided, single submitter. Criteria: Invitae Variant Classification Sherloc (09022015). Collection method: clinical testing. Allele origin: germline.
Comment: This sequence change replaces isoleucine, which is neutral and non-polar, with methionine, which is neutral and non-polar, at codon 359 of the ACADS protein (p.Ile359Met). This variant is not present in population databases (gnomAD no frequency). This variant has not been reported in the literature in individuals affected with ACADS-related conditions. Advanced modeling of protein sequence and biophysical properties (such as structural, functional, and spatial information, amino acid conservation, physicochemical variation, residue mobility, and thermodynamic stability) performed at Invitae indicates that this missense variant is expected to disrupt ACADS protein function with a positive predictive value of 80%. In summary, the available evidence is currently insufficient to determine the role of this variant in disease. Therefore, it has been classified as a Variant of Uncertain Significance.